The following is an entry in ClinVar:

NM_001084.5(PLOD3):c.946C>T (p.Gln316Ter)

Gene: PLOD3 (procollagen-lysine,2-oxoglutarate 5-dioxygenase 3; minus strand). Cytogenetic location: 7q22.1.
Variant type: single nucleotide variant.
Coding change: c.946C>T on transcript NM_001084.5 (MANE Select); coding-DNA position 946, C replaced by T.
Protein change: p.Gln316Ter; replaces glutamine 316 with a stop codon.
Molecular consequence: nonsense.
Genome position (GRCh38, 1-based): chr7:101,212,589, G>A on the plus strand (C>T on the coding strand, the complement: PLOD3 is on the minus strand). VCF-style: chr7-101212589-G-A. GRCh37 (hg19) VCF-style: chr7-100855870-G-A.
Other names: short protein forms Q316*.
Identifiers: ClinVar variation 1898291 (VCV001898291.5), dbSNP rs1463452672, ClinGen allele CA368619494.

ClinVar aggregate classification (germline): Pathogenic (1 of 4 stars; one submission).

Allele frequency attached by ClinVar (database versions not stated): gnomAD exomes below 0.00001; gnomAD 0.00001; TOPMed 0.00002.

Submission:

Labcorp Genetics (formerly Invitae), Labcorp
Classification: Pathogenic. Last evaluated: 2023-12-04. Review status: criteria provided, single submitter. Criteria: Invitae Variant Classification Sherloc (09022015). Collection method: clinical testing. Allele origin: germline.
Comment: This sequence change creates a premature translational stop signal (p.Gln316*) in the PLOD3 gene. It is expected to result in an absent or disrupted protein product. Loss-of-function variants in PLOD3 are known to be pathogenic (PMID: 30237576). This variant is not present in population databases (gnomAD no frequency). This variant has not been reported in the literature in individuals affected with PLOD3-related conditions. For these reasons, this variant has been classified as Pathogenic.

Literature cited by the submitters: PubMed 30237576.